The following is an entry in ClinVar:

NM_006231.4(POLE):c.6293A>C (p.Asn2098Thr)

Gene: POLE (DNA polymerase epsilon, catalytic subunit; minus strand). Cytogenetic location: 12q24.33.
Variant type: single nucleotide variant.
Coding change: c.6293A>C on transcript NM_006231.4 (MANE Select); coding-DNA position 6293, A replaced by C.
Protein change: p.Asn2098Thr; replaces asparagine 2098 with threonine.
Molecular consequence: missense variant.
Genome position (GRCh38, 1-based): chr12:132,632,352, T>G on the plus strand (A>C on the coding strand, the complement: POLE is on the minus strand). VCF-style: chr12-132632352-T-G. GRCh37 (hg19) VCF-style: chr12-133208938-T-G.
Other names: short protein forms N2098T.
Identifiers: ClinVar variation 951204 (VCV000951204.11), dbSNP rs2041949605, ClinGen allele CA387369347.

ClinVar aggregate classification (germline): Uncertain significance. Review status: criteria provided, multiple submitters, no conflicts (2 of 4 stars). 2 submissions from 2 submitters: Uncertain significance (2). Last evaluated 2025-09-20.

Conditions:
Hereditary cancer-predisposing syndrome. Also called: Tumor predisposition; Hereditary neoplastic syndrome; Neoplastic Syndromes, Hereditary; Hereditary Cancer Syndrome. Identifiers: Orphanet 140162, MedGen C0027672, MeSH D009386, MONDO:0015356.

Submissions (2):

Ambry Genetics
Classification: Uncertain significance for Hereditary cancer-predisposing syndrome. Last evaluated: 2025-09-20. Review status: criteria provided, single submitter. Criteria: Ambry Variant Classification Scheme 2023. Collection method: clinical testing. Allele origin: germline.
Comment: The p.N2098T variant (also known as c.6293A>C), located in coding exon 45 of the POLE gene, results from an A to C substitution at nucleotide position 6293. The asparagine at codon 2098 is replaced by threonine, an amino acid with similar properties. This amino acid position is conserved. In addition, this alteration is predicted to be tolerated by in silico analysis. Since supporting evidence is limited at this time, the clinical significance of this alteration remains unclear.

Labcorp Genetics (formerly Invitae), Labcorp
Classification: Uncertain significance. Last evaluated: 2021-09-02. Review status: criteria provided, single submitter. Criteria: Invitae Variant Classification Sherloc (09022015). Collection method: clinical testing. Allele origin: germline.
Comment: This sequence change replaces asparagine with threonine at codon 2098 of the POLE protein (p.Asn2098Thr). The asparagine residue is moderately conserved and there is a small physicochemical difference between asparagine and threonine. This variant is not present in population databases (ExAC no frequency). This variant has not been reported in the literature in individuals affected with POLE-related conditions. Algorithms developed to predict the effect of missense changes on protein structure and function (SIFT, PolyPhen-2, Align-GVGD) all suggest that this variant is likely to be tolerated. In summary, the available evidence is currently insufficient to determine the role of this variant in disease. Therefore, it has been classified as a Variant of Uncertain Significance.